The following is an entry in ClinVar:

ClinVar aggregate classification (germline): Uncertain significance (1 of 4 stars; one submission).

Submission:

Labcorp Genetics (formerly Invitae), Labcorp
Classification: Uncertain significance. Last evaluated: 2022-10-10. Review status: criteria provided, single submitter. Criteria: Invitae Variant Classification Sherloc (09022015). Collection method: clinical testing. Allele origin: germline.
Comment: In summary, the available evidence is currently insufficient to determine the role of this variant in disease. Therefore, it has been classified as a Variant of Uncertain Significance. Algorithms developed to predict the effect of missense changes on protein structure and function (SIFT, PolyPhen-2, Align-GVGD) all suggest that this variant is likely to be tolerated. This variant has not been reported in the literature in individuals affected with MSH3-related conditions. This variant is not present in population databases (gnomAD no frequency). This sequence change replaces threonine, which is neutral and polar, with serine, which is neutral and polar, at codon 287 of the MSH3 protein (p.Thr287Ser).

NM_002439.5(MSH3):c.859A>T (p.Thr287Ser)

Gene: MSH3 (mutS homolog 3; plus strand). Cytogenetic location: 5q14.1.
Variant type: single nucleotide variant.
Coding change: c.859A>T on transcript NM_002439.5 (MANE Select); coding-DNA position 859, A replaced by T.
Protein change: p.Thr287Ser; replaces threonine 287 with serine.
Molecular consequence: missense variant.
Genome position (GRCh38, 1-based): chr5:80,672,310, A>T. VCF-style: chr5-80672310-A-T. GRCh37 (hg19) VCF-style: chr5-79968129-A-T.
Other names: short protein forms T287S.
Identifiers: ClinVar variation 1721374 (VCV001721374.5), dbSNP rs1482733280, ClinGen allele CA360267199.